The following is an entry in ClinVar:

NM_001184.4(ATR):c.3443A>G (p.Lys1148Arg)

Gene: ATR (ATR serine/threonine kinase; minus strand). Cytogenetic location: 3q23.
Variant type: single nucleotide variant.
Coding change: c.3443A>G on transcript NM_001184.4 (MANE Select); coding-DNA position 3443, A replaced by G.
Protein change: p.Lys1148Arg; replaces lysine 1148 with arginine.
Molecular consequence: missense variant.
Genome position (GRCh38, 1-based): chr3:142,542,672, T>C on the plus strand (A>G on the coding strand, the complement: ATR is on the minus strand). VCF-style: chr3-142542672-T-C. GRCh37 (hg19) VCF-style: chr3-142261514-T-C.
Other names: c.3251A>G, p.Lys1084Arg (NM_001354579.2); short protein forms K1084R, K1148R.
Identifiers: ClinVar variation 3462524 (VCV003462524.1).
Genomic context (GRCh38, chr3:142,542,672, plus strand): 5'-ATCTATATTCTGTATGAATTCTATCTTAGCACTCTGGAACTATCACCACTTACCATTTTC[T>C]TATCTTCAATGCCAACACTAGAGCTCAGTAACTGCATGTTAAAAAAAGCCAAAATGCCCA-3'
Protein context (NP_001175.2, residues 1138-1158): LLSSSVGIED[Lys1148Arg]KMALNSLMSL

ClinVar aggregate classification (germline): Uncertain significance (1 of 4 stars; one submission).

Conditions:
Inborn genetic diseases. Identifiers: MedGen C0950123, MeSH D030342.

Submission:

Ambry Genetics
Classification: Uncertain significance for Inborn genetic diseases. Last evaluated: 2024-08-10. Review status: criteria provided, single submitter. Criteria: Ambry Variant Classification Scheme 2023. Collection method: clinical testing. Allele origin: germline.
Comment: The p.K1148R variant (also known as c.3443A>G), located in coding exon 17 of the ATR gene, results from an A to G substitution at nucleotide position 3443. The lysine at codon 1148 is replaced by arginine, an amino acid with highly similar properties. This amino acid position is conserved. In addition, the in silico prediction for this alteration is inconclusive. Based on the available evidence, the clinical significance of this variant remains unclear.